The following is an entry in ClinVar:

NM_147127.5(EVC2):c.2005C>T (p.Gln669Ter)

Gene: EVC2 (EvC ciliary complex subunit 2; minus strand). Cytogenetic location: 4p16.2.
Variant type: single nucleotide variant.
Coding change: c.2005C>T on transcript NM_147127.5 (MANE Select); coding-DNA position 2005, C replaced by T.
Protein change: p.Gln669Ter; replaces glutamine 669 with a stop codon.
Molecular consequence: nonsense.
Genome position (GRCh38, 1-based): chr4:5,625,790, G>A on the plus strand (C>T on the coding strand, the complement: EVC2 is on the minus strand). VCF-style: chr4-5625790-G-A. GRCh37 (hg19) VCF-style: chr4-5627517-G-A.
Other names: c.1765C>T, p.Gln589Ter (NM_001166136.2); short protein forms Q589*, Q669*.
Identifiers: ClinVar variation 1726307 (VCV001726307.2), dbSNP rs2475385703, ClinGen allele CA356145923.

ClinVar aggregate classification (germline): Likely pathogenic (1 of 4 stars; one submission).

Conditions:
Ellis-van Creveld syndrome (EVC). Also called: EVC-Related Ellis-van Creveld Syndrome; EVC2-Related Ellis-van Creveld Syndrome; MESOECTODERMAL DYSPLASIA; Chondroectodermal dysplasia. Identifiers: Orphanet 289, MedGen C0013903, MONDO:0009162, OMIM 225500.

Submission:

Myriad Genetics, Inc.
Classification: Likely pathogenic for Ellis-van Creveld syndrome. Last evaluated: 2021-12-16. Review status: criteria provided, single submitter. Criteria: Myriad Women's Health Autosomal Recessive and X-Linked Classification Criteria (2021). Collection method: clinical testing. Allele origin: unknown.
Comment: NM_147127.4(EVC2):c.2005C>T(Q669*) is expected to be pathogenic in the context of EVC2-related Ellis-van Creveld syndrome. This variant is predicted to lead to an abnormal or absent protein product due to the creation of a premature termination codon in EVC2, a gene where loss-of-function variants are known to be pathogenic. Please note: this variant was assessed in the context of healthy population screening.